The following is an entry in ClinVar:

ClinVar aggregate classification (germline): Uncertain significance (1 of 4 stars; one submission).

Conditions:
Bailey-Bloch congenital myopathy (CMYO13). Also called: Congenital myopathy 13; STAC3 disorder; Native American myopathy. Identifiers: Orphanet 168572, MedGen C1850625, MONDO:0009722, OMIM 255995.

Allele frequency attached by ClinVar (database versions not stated): gnomAD exomes below 0.00001; TOPMed below 0.00001; gnomAD 0.00001.
gnomAD v4.1: 3 of 1,614,088 alleles (0.00019%); highest among the groups gnomAD compares: African/African-American, 0.004%; no homozygotes.

Submission:

Labcorp Genetics (formerly Invitae), Labcorp
Classification: Uncertain significance for Bailey-Bloch congenital myopathy. Last evaluated: 2022-06-04. Review status: criteria provided, single submitter. Criteria: Invitae Variant Classification Sherloc (09022015). Collection method: clinical testing. Allele origin: germline.
Comment: This variant has not been reported in the literature in individuals affected with STAC3-related conditions. In summary, the available evidence is currently insufficient to determine the role of this variant in disease. Therefore, it has been classified as a Variant of Uncertain Significance. Algorithms developed to predict the effect of missense changes on protein structure and function are either unavailable or do not agree on the potential impact of this missense change (SIFT: "Deleterious"; PolyPhen-2: "Benign"; Align-GVGD: "Class C0"). ClinVar contains an entry for this variant (Variation ID: 1398920). This variant is present in population databases (no rsID available, gnomAD 0.007%). This sequence change replaces phenylalanine, which is neutral and non-polar, with leucine, which is neutral and non-polar, at codon 258 of the STAC3 protein (p.Phe258Leu).

NM_145064.3(STAC3):c.774C>G (p.Phe258Leu)

Gene: STAC3 (SH3 and cysteine rich domain 3; minus strand). Cytogenetic location: 12q13.3.
Variant type: single nucleotide variant.
Coding change: c.774C>G on transcript NM_145064.3 (MANE Select); coding-DNA position 774, C replaced by G.
Protein change: p.Phe258Leu; replaces phenylalanine 258 with leucine.
Molecular consequence: missense variant. On other transcripts: non-coding transcript variant (1).
Genome position (GRCh38, 1-based): chr12:57,244,569, G>C on the plus strand (C>G on the coding strand, the complement: STAC3 is on the minus strand). VCF-style: chr12-57244569-G-C. GRCh37 (hg19) VCF-style: chr12-57638352-G-C.
Other names: c.657C>G, p.Phe219Leu (NM_001286256.2); c.216C>G, p.Phe72Leu (NM_001286257.2); short protein forms F219L, F72L, F258L.
Identifiers: ClinVar variation 1398920 (VCV001398920.4), dbSNP rs922499167, ClinGen allele CA237755777.